The following is an entry in ClinVar:

NM_000135.4(FANCA):c.4237A>G (p.Lys1413Glu)

Genes: FANCA (FA complementation group A; minus strand), ZNF276 (zinc finger protein 276; plus strand). Cytogenetic location: 16q24.3.
Variant type: single nucleotide variant.
Coding change: c.4237A>G on transcript NM_000135.4 (MANE Select); coding-DNA position 4237, A replaced by G.
Protein change: p.Lys1413Glu; replaces lysine 1413 with glutamic acid.
Molecular consequence: missense variant. On other transcripts: 3 prime UTR variant (2), non-coding transcript variant (4).
Genome position (GRCh38, 1-based): chr16:89,738,905, T>C on the plus strand (A>G on the coding strand, the complement: FANCA is on the minus strand). VCF-style: chr16-89738905-T-C. GRCh37 (hg19) VCF-style: chr16-89805313-T-C.
Other names: c.4241A>G, p.Lys1414Arg (NM_001286167.3); c.*659T>C (NM_001113525.2, NM_152287.4); short protein forms K1413E, K1414R.
Identifiers: ClinVar variation 5036401 (VCV005036401.1).

ClinVar aggregate classification (germline): Uncertain significance (1 of 4 stars; one submission).

Conditions:
Inborn genetic diseases. Identifiers: MedGen C0950123, MeSH D030342.

Submission:

Ambry Genetics
Classification: Uncertain significance for Inborn genetic diseases. Last evaluated: 2026-08-09. Review status: criteria provided, single submitter. Criteria: Ambry Variant Classification Scheme 2023. Collection method: clinical testing. Allele origin: germline.
Comment: The p.K1413E variant (also known as c.4237A>G), located in coding exon 42 of the FANCA gene, results from an A to G substitution at nucleotide position 4237. The lysine at codon 1413 is replaced by glutamic acid, an amino acid with similar properties. This amino acid position is conserved. In addition, this alteration is predicted to be tolerated by in silico analysis. Based on the available evidence, the clinical significance of this variant remains unclear.